The following is an entry in ClinVar:

NM_006265.3(RAD21):c.1538G>T (p.Cys513Phe)

Gene: RAD21 (RAD21 cohesin complex component; minus strand). Cytogenetic location: 8q24.11.
Variant type: single nucleotide variant.
Coding change: c.1538G>T on transcript NM_006265.3 (MANE Select); coding-DNA position 1538, G replaced by T.
Protein change: p.Cys513Phe; replaces cysteine 513 with phenylalanine.
Molecular consequence: missense variant.
Genome position (GRCh38, 1-based): chr8:116,850,700, C>A on the plus strand (G>T on the coding strand, the complement: RAD21 is on the minus strand). VCF-style: chr8-116850700-C-A. GRCh37 (hg19) VCF-style: chr8-117862939-C-A.
Other names: short protein forms C513F.
Identifiers: ClinVar variation 1315903 (VCV001315903.3), dbSNP rs2130456151, ClinGen allele CA371996455.
Genomic context (GRCh38, chr8:116,850,700, plus strand): 5'-TTTTCCTTCTCTTTCTCCTTCTCTTTTTCTGGCAGAAGTTCTAACTCTGGTATTAGCTGA[C>A]AGATATTTGGAGGTTCTTCTGGGGGAAGCTCTACAGGTGGTATTTCCATCTGCTCTACCT-3'
Protein context (NP_006256.1, residues 503-523): ELPPEEPPNI[Cys513Phe]QLIPELELLP

ClinVar aggregate classification (germline): Uncertain significance (1 of 4 stars; one submission).

Submission:

GeneDx
Classification: Uncertain significance. Last evaluated: 2025-05-15. Review status: criteria provided, single submitter. Criteria: GeneDx Variant Classification Process June 2021. Collection method: clinical testing. Allele origin: germline. Affected: yes.
Comment: Not observed at significant frequency in large population cohorts (gnomAD); In silico analysis suggests this variant may impact gene splicing. In the absence of RNA/functional studies, the actual effect of this sequence change is unknown.; In silico analysis suggests that this missense variant does not alter protein structure/function; Has not been previously published as pathogenic or benign to our knowledge